The following is an entry in ClinVar:

NM_000532.5(PCCB):c.505G>T (p.Gly169Ter)

Gene: PCCB (propionyl-CoA carboxylase subunit beta; plus strand). Cytogenetic location: 3q22.3.
Variant type: single nucleotide variant.
Coding change: c.505G>T on transcript NM_000532.5 (MANE Select); coding-DNA position 505, G replaced by T.
Protein change: p.Gly169Ter; replaces glycine 169 with a stop codon.
Molecular consequence: nonsense.
Genome position (GRCh38, 1-based): chr3:136,262,027, G>T. VCF-style: chr3-136262027-G-T. GRCh37 (hg19) VCF-style: chr3-135980869-G-T.
Other names: c.565G>T, p.Gly189Ter (NM_001178014.2); short protein forms G189*, G169*.
Identifiers: ClinVar variation 945187 (VCV000945187.7), dbSNP rs1941842008, ClinGen allele CA354739897.

ClinVar aggregate classification (germline): Pathogenic (1 of 4 stars; one submission).

Conditions:
Propionic acidemia (PROP). Also called: GLYCINEMIA, KETOTIC; HYPERGLYCINEMIA WITH KETOACIDOSIS AND LEUKOPENIA; KETOTIC HYPERGLYCINEMIA. Identifiers: Orphanet 35, MedGen C0268579, MONDO:0011628, OMIM 606054, HP:0003571.

Submission:

Labcorp Genetics (formerly Invitae), Labcorp
Classification: Pathogenic for Propionic acidemia. Last evaluated: 2019-08-17. Review status: criteria provided, single submitter. Criteria: Invitae Variant Classification Sherloc (09022015). Collection method: clinical testing. Allele origin: germline.
Comment: For these reasons, this variant has been classified as Pathogenic. Loss-of-function variants in PCCB are known to be pathogenic (PMID: 15464417). This variant has not been reported in the literature in individuals with PCCB-related conditions. This variant is not present in population databases (ExAC no frequency). This sequence change creates a premature translational stop signal (p.Gly169*) in the PCCB gene. It is expected to result in an absent or disrupted protein product.

Literature cited by the submitters: PubMed 15464417.